The following is an entry in ClinVar:

ClinVar aggregate classification (germline): Uncertain significance. Review status: criteria provided, multiple submitters, no conflicts (2 of 4 stars). 2 submissions from 2 submitters: Uncertain significance (2). Last evaluated 2023-12-27.

Conditions:
Inborn genetic diseases. Identifiers: MedGen C0950123, MeSH D030342.

gnomAD v4.1: 2 of 1,529,532 alleles (0.00013%); highest among the groups gnomAD compares: Non-Finnish European, 0.00017%; no homozygotes.

Submissions (2):

Ambry Genetics
Classification: Uncertain significance for Inborn genetic diseases. Last evaluated: 2023-12-27. Review status: criteria provided, single submitter. Criteria: Ambry Variant Classification Scheme 2023. Collection method: clinical testing. Allele origin: germline.

Labcorp Genetics (formerly Invitae), Labcorp
Classification: Uncertain significance. Last evaluated: 2021-11-14. Review status: criteria provided, single submitter. Criteria: Invitae Variant Classification Sherloc (09022015). Collection method: clinical testing. Allele origin: germline.
Comment: This sequence change replaces histidine, which is basic and polar, with proline, which is neutral and non-polar, at codon 440 of the DLL3 protein (p.His440Pro). This variant is not present in population databases (gnomAD no frequency). This variant has not been reported in the literature in individuals affected with DLL3-related conditions. Algorithms developed to predict the effect of missense changes on protein structure and function are either unavailable or do not agree on the potential impact of this missense change (SIFT: "Deleterious"; PolyPhen-2: "Probably Damaging"; Align-GVGD: "Class C0"). In summary, the available evidence is currently insufficient to determine the role of this variant in disease. Therefore, it has been classified as a Variant of Uncertain Significance.

NM_203486.3(DLL3):c.1319A>C (p.His440Pro)

Gene: DLL3 (delta like canonical Notch ligand 3; plus strand). Cytogenetic location: 19q13.2.
Variant type: single nucleotide variant.
Coding change: c.1319A>C on transcript NM_203486.3 (MANE Select); coding-DNA position 1319, A replaced by C.
Protein change: p.His440Pro; replaces histidine 440 with proline.
Molecular consequence: missense variant.
Genome position (GRCh38, 1-based): chr19:39,507,264, A>C. VCF-style: chr19-39507264-A-C. GRCh37 (hg19) VCF-style: chr19-39997904-A-C.
Other names: c.1319A>C, p.His440Pro (NM_016941.4); c.1319A>C (NM_016941.3); short protein forms H440P.
Identifiers: ClinVar variation 1393194 (VCV001393194.7), dbSNP rs780000990, ClinGen allele CA9432408.